The following is an entry in ClinVar:

ClinVar aggregate classification (germline): Uncertain significance. Review status: criteria provided, multiple submitters, no conflicts (2 of 4 stars). 4 submissions from 4 submitters: Uncertain significance (4). Last evaluated 2025-12-09.

Conditions:
Inborn genetic diseases. Identifiers: MedGen C0950123, MeSH D030342.

Allele frequency attached by ClinVar (database versions not stated): ESP Exome Variant Server 0.00077; ExAC 0.00024; gnomAD exomes 0.00024 and 0.00023; TOPMed 0.00033.
gnomAD v4.1: 405 of 1,614,098 alleles (0.025%); highest among the groups gnomAD compares: Middle Eastern, 0.26%; 2 homozygotes.

Submissions (4):

Labcorp Genetics (formerly Invitae), Labcorp
Classification: Uncertain significance. Last evaluated: 2025-12-09. Review status: criteria provided, single submitter. Criteria: Invitae Variant Classification Sherloc (09022015). Collection method: clinical testing. Allele origin: germline.
Comment: This sequence change replaces proline, which is neutral and non-polar, with threonine, which is neutral and polar, at codon 17 of the GUCY2C protein (p.Pro17Thr). This variant is present in population databases (rs138766659, gnomAD 0.05%). This variant has not been reported in the literature in individuals affected with GUCY2C-related conditions. ClinVar contains an entry for this variant (Variation ID: 1002093). An algorithm developed to predict the effect of missense changes on protein structure and function (PolyPhen-2) suggests that this variant is likely to be disruptive. In summary, the available evidence is currently insufficient to determine the role of this variant in disease. Therefore, it has been classified as a Variant of Uncertain Significance.

Ambry Genetics
Classification: Uncertain significance for Inborn genetic diseases. Last evaluated: 2024-11-28. Review status: criteria provided, single submitter. Criteria: Ambry Variant Classification Scheme 2023. Collection method: clinical testing. Allele origin: germline.

Blueprint Genetics
Classification: Uncertain significance. Last evaluated: 2024-11-11. Review status: criteria provided, single submitter. Criteria: ACMG Guidelines, 2015. Collection method: clinical testing. Allele origin: germline.

Revvity Omics, Revvity
Classification: Uncertain significance. Last evaluated: 2024-01-03. Review status: criteria provided, single submitter. Criteria: ACMG Guidelines, 2015. Collection method: clinical testing. Allele origin: germline.

NM_004963.4(GUCY2C):c.49C>A (p.Pro17Thr)

Genes: GUCY2C (guanylate cyclase 2C; minus strand), GUCY2C-AS1 (GUCY2C antisense RNA 1; plus strand). Cytogenetic location: 12p12.3.
Variant type: single nucleotide variant.
Coding change: c.49C>A on transcript NM_004963.4 (MANE Select); coding-DNA position 49, C replaced by A.
Protein change: p.Pro17Thr; replaces proline 17 with threonine.
Molecular consequence: missense variant.
Genome position (GRCh38, 1-based): chr12:14,696,400, G>T on the plus strand (C>A on the coding strand, the complement: GUCY2C is on the minus strand). VCF-style: chr12-14696400-G-T. GRCh37 (hg19) VCF-style: chr12-14849334-G-T.
Other names: c.49C>A (NM_004963.3); short protein forms P17T.
Identifiers: ClinVar variation 1002093 (VCV001002093.11), dbSNP rs138766659, ClinGen allele CA6463859.